The following is an entry in ClinVar:

NM_000152.5(GAA):c.133T>G (p.Ser45Ala)

Gene: GAA (alpha glucosidase; plus strand). Cytogenetic location: 17q25.3.
Variant type: single nucleotide variant.
Coding change: c.133T>G on transcript NM_000152.5 (MANE Select); coding-DNA position 133, T replaced by G.
Protein change: p.Ser45Ala; replaces serine 45 with alanine.
Molecular consequence: missense variant.
Genome position (GRCh38, 1-based): chr17:80,104,719, T>G. VCF-style: chr17-80104719-T-G. GRCh37 (hg19) VCF-style: chr17-78078518-T-G.
Other names: c.133T>G, p.Ser45Ala (NM_001079803.3, NM_001079804.3); short protein forms S45A.
Identifiers: ClinVar variation 961363 (VCV000961363.8), dbSNP rs1322709296, ClinGen allele CA401360312.

ClinVar aggregate classification (germline): Uncertain significance. Review status: criteria provided, single submitter (1 of 4 stars). 2 submissions from 2 submitters: Uncertain significance (1). 1 of the submissions does not count toward it. Last evaluated 2021-08-31.

Conditions:
Glycogen storage disease, type II (IOPD). Also called: Pompe Disease; CARDIOMEGALIA GLYCOGENICA DIFFUSA; Glycogen storage disease type 2; Acid maltase deficiency disease; Aglucosidase alfa; Deficiency of alpha-glucosidase. Identifiers: Orphanet 365, MedGen C0017921, MONDO:0009290, OMIM 232300.

Submissions (2):

Labcorp Genetics (formerly Invitae), Labcorp
Classification: Uncertain significance for Glycogen storage disease, type II. Last evaluated: 2021-08-31. Review status: criteria provided, single submitter. Criteria: Invitae Variant Classification Sherloc (09022015). Collection method: clinical testing. Allele origin: germline.
Comment: This sequence change replaces serine with alanine at codon 45 of the GAA protein (p.Ser45Ala). The serine residue is weakly conserved and there is a moderate physicochemical difference between serine and alanine. This variant is not present in population databases (ExAC no frequency). This variant has not been reported in the literature in individuals affected with GAA-related conditions. Algorithms developed to predict the effect of missense changes on protein structure and function (SIFT, PolyPhen-2, Align-GVGD) all suggest that this variant is likely to be tolerated. In summary, the available evidence is currently insufficient to determine the role of this variant in disease. Therefore, it has been classified as a Variant of Uncertain Significance.

Natera, Inc.
Classification: Uncertain significance for Glycogen storage disease type II. Last evaluated: 2020-08-13. Review status: no assertion criteria provided. Collection method: clinical testing. Allele origin: germline. Not counted in ClinVar's aggregate classification.